The following is an entry in ClinVar:

ClinVar aggregate classification (germline): Uncertain significance (1 of 4 stars; one submission).

Submission:

Labcorp Genetics (formerly Invitae), Labcorp
Classification: Uncertain significance. Last evaluated: 2024-02-17. Review status: criteria provided, single submitter. Criteria: Invitae Variant Classification Sherloc (09022015). Collection method: clinical testing. Allele origin: germline.
Comment: This sequence change replaces valine, which is neutral and non-polar, with glycine, which is neutral and non-polar, at codon 9 of the FAM175A protein (p.Val9Gly). This variant is not present in population databases (gnomAD no frequency). This variant has not been reported in the literature in individuals affected with FAM175A-related conditions. ClinVar contains an entry for this variant (Variation ID: 1021121). Advanced modeling of protein sequence and biophysical properties (such as structural, functional, and spatial information, amino acid conservation, physicochemical variation, residue mobility, and thermodynamic stability) performed at Invitae indicates that this missense variant is not expected to disrupt FAM175A protein function with a negative predictive value of 80%. In summary, the available evidence is currently insufficient to determine the role of this variant in disease. Therefore, it has been classified as a Variant of Uncertain Significance.

NM_139076.3(ABRAXAS1):c.26T>G (p.Val9Gly)

Genes: ABRAXAS1 (abraxas 1, BRCA1 A complex subunit; minus strand), LOC129992784 (ATAC-STARR-seq lymphoblastoid silent region 15542; plus strand). Cytogenetic location: 4q21.23.
Variant type: single nucleotide variant.
Coding change: c.26T>G on transcript NM_139076.3 (MANE Select); coding-DNA position 26, T replaced by G.
Protein change: p.Val9Gly; replaces valine 9 with glycine.
Molecular consequence: missense variant. On other transcripts: 5 prime UTR variant (1).
Genome position (GRCh38, 1-based): chr4:83,485,047, A>C on the plus strand (T>G on the coding strand, the complement: ABRAXAS1 is on the minus strand). VCF-style: chr4-83485047-A-C. GRCh37 (hg19) VCF-style: chr4-84406200-A-C.
Other names: c.-235T>G (NM_001345962.2); short protein forms V9G.
Identifiers: ClinVar variation 1021121 (VCV001021121.9), dbSNP rs1723135623, ClinGen allele CA357264053.